The following is an entry in ClinVar:

NM_005173.4(ATP2A3):c.1317G>A (p.Glu439=)

Gene: ATP2A3 (ATPase sarcoplasmic/endoplasmic reticulum Ca2+ transporting 3; minus strand). Cytogenetic location: 17p13.2.
Variant type: single nucleotide variant.
Coding change: c.1317G>A on transcript NM_005173.4 (MANE Select); coding-DNA position 1317, G replaced by A.
Protein change: p.Glu439=; no amino-acid change (glutamic acid 439 retained).
Molecular consequence: synonymous variant.
Genome position (GRCh38, 1-based): chr17:3,943,493, C>T on the plus strand (G>A on the coding strand, the complement: ATP2A3 is on the minus strand). VCF-style: chr17-3943493-C-T. GRCh37 (hg19) VCF-style: chr17-3846787-C-T.
Other names: c.1317G>A, p.Glu439= (NM_174953.3, NM_174954.3, NM_174955.3 and 3 more transcripts).
Identifiers: ClinVar variation 3034221 (VCV003034221.2), dbSNP rs143762354, ClinGen allele CA8297243.

ClinVar aggregate classification (germline): Likely benign (0 of 4 stars; one submission).

Conditions:
ATP2A3-related disorder. Also called: ATP2A3-related condition.

Allele frequency attached by ClinVar (database versions not stated): ExAC 0.00004; gnomAD 0.00013; TOPMed 0.00019; ESP Exome Variant Server 0.00023.
gnomAD v4.1: 40 of 1,613,964 alleles (0.0025%); highest among the groups gnomAD compares: African/African-American, 0.048%; no homozygotes.

Submission:

PreventionGenetics, part of Exact Sciences
Classification: Likely benign for ATP2A3-related condition. Last evaluated: 2019-06-11. Review status: no assertion criteria provided. Collection method: clinical testing. Allele origin: germline.
Comment: This variant is classified as likely benign based on ACMG/AMP sequence variant interpretation guidelines (Richards et al. 2015 PMID: 25741868, with internal and published modifications).